The following is an entry in ClinVar:

NM_001003818.3(TRIM6):c.894C>G (p.Leu298=)

Genes: TRIM5 (tripartite motif containing 5; minus strand), TRIM6 (tripartite motif containing 6; plus strand). Cytogenetic location: 11p15.4.
Variant type: single nucleotide variant.
Coding change: c.894C>G on transcript NM_001003818.3 (MANE Select); coding-DNA position 894, C replaced by G.
Protein change: p.Leu298=; no amino-acid change (leucine 298 retained).
Molecular consequence: synonymous variant.
Genome position (GRCh38, 1-based): chr11:5,610,181, C>G. VCF-style: chr11-5610181-C-G. GRCh37 (hg19) VCF-style: chr11-5631411-C-G.
Other names: c.285C>G, p.Leu95= (NM_001198644.2, NM_001198645.2); c.810C>G, p.Leu270= (NM_058166.5); c.894C>G, p.Leu298= (NM_001003819.4).
Identifiers: ClinVar variation 5038468 (VCV005038468.1).

ClinVar aggregate classification (germline): Likely benign (1 of 4 stars; one submission).

Submission:

CeGaT Center for Human Genetics Tuebingen
Classification: Likely benign. Last evaluated: 2026-06-01. Review status: criteria provided, single submitter. Criteria: CeGaT Center For Human Genetics Tuebingen Variant Classification Criteria Version 2. Collection method: clinical testing. Allele origin: germline. Affected: yes. Observed: 1 variant allele.
Comment: TRIM6: PM2:Supporting, BP4, BP7